The following is an entry in ClinVar:

ClinVar aggregate classification (germline): Uncertain significance (1 of 4 stars; one submission).

Allele frequency attached by ClinVar (database versions not stated): gnomAD exomes below 0.00001.
gnomAD v4.1: 1 of 1,614,204 alleles (0.000062%); highest among the groups gnomAD compares: Non-Finnish European, 0.000085%; no homozygotes.

Submission:

GeneDx
Classification: Uncertain significance. Last evaluated: 2023-04-19. Review status: criteria provided, single submitter. Criteria: GeneDx Variant Classification Process June 2021. Collection method: clinical testing. Allele origin: germline. Affected: yes.
Comment: Not observed at significant frequency in large population cohorts (gnomAD); Canonical splice site variant with an unclear effect on protein function; Has not been previously published as pathogenic or benign to our knowledge; Reported using an alternate transcript of the gene

NM_139343.3(BIN1):c.857+1473A>G

Gene: BIN1 (bridging integrator 1; minus strand). Cytogenetic location: 2q14.3.
Variant type: single nucleotide variant.
Coding change: c.857+1473A>G on transcript NM_139343.3 (MANE Select); 1473 bases into the intron after coding-DNA position 857, A replaced by G.
Molecular consequence: intron variant. On other transcripts: splice acceptor variant (3).
Genome position (GRCh38, 1-based): chr2:127,060,642, T>C on the plus strand (A>G on the coding strand, the complement: BIN1 is on the minus strand). VCF-style: chr2-127060642-T-C. GRCh37 (hg19) VCF-style: chr2-127818218-T-C.
Other names: c.776+1473A>G (NM_001320642.1); c.692+1473A>G (NM_001320634.1); c.764+1473A>G (NM_139351.3, NM_139350.3, NM_139349.3 and 3 more transcripts); c.765-2A>G (NM_001320632.2, NM_004305.4, NM_139346.3); c.857+1473A>G (NM_001320633.2, NM_139345.3, NM_139344.3 and 1 more transcripts).
Identifiers: ClinVar variation 2661977 (VCV002661977.1), dbSNP rs2467293049, ClinGen allele CA348380557.